The following is an entry in ClinVar:

NM_001374736.1(DST):c.2900A>T (p.Lys967Ile)

Gene: DST (dystonin; minus strand). Cytogenetic location: 6p12.1.
Variant type: single nucleotide variant.
Coding change: c.2900A>T on transcript NM_001374736.1 (MANE Select); coding-DNA position 2900, A replaced by T.
Protein change: p.Lys967Ile; replaces lysine 967 with isoleucine.
Molecular consequence: missense variant.
Genome position (GRCh38, 1-based): chr6:56,639,323, T>A on the plus strand (A>T on the coding strand, the complement: DST is on the minus strand). VCF-style: chr6-56639323-T-A. GRCh37 (hg19) VCF-style: chr6-56504121-T-A.
Other names: c.2801A>T, p.Lys934Ile (NM_001144769.5); c.2387A>T, p.Lys796Ile (NM_001144770.2); c.2900A>T, p.Lys967Ile (NM_001374722.1); c.2267A>T, p.Lys756Ile (NM_001374729.1, NM_001374730.1, NM_001386100.1 and 1 more transcripts); c.2927A>T, p.Lys976Ile (NM_001374734.1); c.1289A>T, p.Lys430Ile (NM_001723.7, NM_015548.5); short protein forms K756I, K967I, K430I, K796I, K934I, K976I.
Identifiers: ClinVar variation 1495368 (VCV001495368.5), dbSNP rs768131560, ClinGen allele CA364577210.
Genomic context (GRCh38, chr6:56,639,323, plus strand): 5'-ATAGTTAACCGGGCTGGATGATTTTCTAGAAGTAGCTGCTCTGCTATCTCCTGAACTGAT[T>A]TAATATTTTCTTCCTTTTGATCAAGTTCTCTCATTAATTCCTTCAAGAAATAATTAAGAA-3'
Protein context (NP_001361665.1, residues 957-977): RELDQKEENI[Lys967Ile]SVQEIAEQLL

ClinVar aggregate classification (germline): Uncertain significance (1 of 4 stars; one submission).

Conditions:
Epidermolysis bullosa simplex 3, localized or generalized intermediate, with BP230 deficiency (EBS3). Also called: Epidermolysis bullosa simplex due to BP230 deficiency; Epidermolysis bullosa simplex, autosomal recessive 2. Identifiers: Orphanet 412181, MedGen C3809470, MONDO:0014180, OMIM 615425.
Hereditary sensory and autonomic neuropathy type 6. Also called: Neuropathy, hereditary sensory and autonomic, type VI; HSAN VI. Identifiers: Orphanet 314381, MedGen C3539003, MONDO:0013839, OMIM 614653.

gnomAD v4.1: 1 of 1,613,798 alleles (0.000062%); no homozygotes.

Submission:

Labcorp Genetics (formerly Invitae), Labcorp
Classification: Uncertain significance for Epidermolysis bullosa simplex 3, localized or generalized intermediate, with BP230 deficiency; Hereditary sensory and autonomic neuropathy type 6. Last evaluated: 2024-02-24. Review status: criteria provided, single submitter. Criteria: Invitae Variant Classification Sherloc (09022015). Collection method: clinical testing. Allele origin: germline.
Comment: This sequence change replaces lysine, which is basic and polar, with isoleucine, which is neutral and non-polar, at codon 430 of the DST protein (p.Lys430Ile). This variant is not present in population databases (gnomAD no frequency). This variant has not been reported in the literature in individuals affected with DST-related conditions. ClinVar contains an entry for this variant (Variation ID: 1495368). An algorithm developed to predict the effect of missense changes on protein structure and function (PolyPhen-2) suggests that this variant is likely to be disruptive. In summary, the available evidence is currently insufficient to determine the role of this variant in disease. Therefore, it has been classified as a Variant of Uncertain Significance.